The following is an entry in ClinVar:

ClinVar aggregate classification (germline): Pathogenic/Likely pathogenic. Review status: criteria provided, multiple submitters, no conflicts (2 of 4 stars). 2 submissions from 2 submitters: Pathogenic (1); Likely pathogenic (1). Last evaluated 2025-12-08.

Conditions:
COL2A1-related disorder. Also called: COL2A1-related condition; COL2A1-related disorders.

Submissions (2):

Labcorp Genetics (formerly Invitae), Labcorp
Classification: Pathogenic. Last evaluated: 2025-12-08. Review status: criteria provided, single submitter. Criteria: Invitae Variant Classification Sherloc (09022015). Collection method: clinical testing. Allele origin: germline.
Comment: This sequence change creates a premature translational stop signal (p.Gln272*) in the COL2A1 gene. It is expected to result in an absent or disrupted protein product. Loss-of-function variants in COL2A1 are known to be pathogenic (PMID: 20179744). This variant is not present in population databases (gnomAD no frequency). This variant has not been reported in the literature in individuals affected with COL2A1-related conditions. ClinVar contains an entry for this variant (Variation ID: 2833248). For these reasons, this variant has been classified as Pathogenic.

Blueprint Genetics
Classification: Likely pathogenic for COL2A1-related disorders. Last evaluated: 2018-01-26. Review status: criteria provided, single submitter. Criteria: ACMG Guidelines, 2015. Collection method: clinical testing. Allele origin: germline. Affected: yes. Observed: 1 variant allele.

Literature cited by the submitters: PubMed 20179744 (cited by Labcorp Genetics (formerly Invitae), Labcorp).

NM_001844.5(COL2A1):c.814C>T (p.Gln272Ter)

Gene: COL2A1 (collagen type II alpha 1 chain; minus strand). Cytogenetic location: 12q13.11.
Variant type: single nucleotide variant.
Coding change: c.814C>T on transcript NM_001844.5 (MANE Select); coding-DNA position 814, C replaced by T.
Protein change: p.Gln272Ter; replaces glutamine 272 with a stop codon.
Molecular consequence: nonsense.
Genome position (GRCh38, 1-based): chr12:47,994,426, G>A on the plus strand (C>T on the coding strand, the complement: COL2A1 is on the minus strand). VCF-style: chr12-47994426-G-A. GRCh37 (hg19) VCF-style: chr12-48388209-G-A.
Other names: c.607C>T, p.Gln203Ter (NM_033150.3); short protein forms Q272*, Q203*.
Identifiers: ClinVar variation 2833248 (VCV002833248.4), dbSNP rs2540170430, ClinGen allele CA384522400.